The following is an entry in ClinVar:

ClinVar aggregate classification (germline): Uncertain significance. Review status: criteria provided, multiple submitters, no conflicts (2 of 4 stars). 2 submissions from 2 submitters: Uncertain significance (2). Last evaluated 2024-02-22.

Conditions:
Severe neurodegenerative syndrome with lipodystrophy. Also called: ENCEPHALOPATHY, PROGRESSIVE, WITH LIPODYSTROPHY; Encephalopathy, progressive, with or without lipodystrophy. Identifiers: Orphanet 363400, MedGen C4014700, MONDO:0014402, OMIM 615924.
Congenital generalized lipodystrophy type 2 (CGL2). Also called: BERARDINELLI SYNDROME; BRUNZELL SYNDROME, BSCL2-RELATED; SEIP SYNDROME; Berardinelli-Seip Congenital Lipodystrophy Type 2. Identifiers: Orphanet 528, Orphanet 696289, MedGen C1720863, MONDO:0010020, OMIM 269700.
Hereditary spastic paraplegia 17. Also called: Silver spastic paraplegia syndrome; Spastic Paraplegia 17; SPASTIC PARAPLEGIA WITH AMYOTROPHY OF HANDS AND FEET; Autosomal dominant spastic paraplegia type 17; Silver Syndrome. Identifiers: Orphanet 100998, MedGen C2931276, MONDO:0010043, OMIM 270685.
Neuronopathy, distal hereditary motor, type 5C. Also called: DHMN VC; NEURONOPATHY, DISTAL HEREDITARY MOTOR, AUTOSOMAL DOMINANT 13; NEURONOPATHY, DISTAL HEREDITARY MOTOR, HARDING TYPE VC; NEUROPATHY, DISTAL HEREDITARY MOTOR, HARDING TYPE VC; SPINAL MUSCULAR ATROPHY, DISTAL, HARDING TYPE VC. Identifiers: MedGen C5436838, MONDO:0030860, OMIM 619112.
Charcot-Marie-Tooth disease type 2. Also called: Charcot-Marie-Tooth type 2. Identifiers: Orphanet 64746, MedGen C0270914, MONDO:0018993.

Allele frequency attached by ClinVar (database versions not stated): gnomAD exomes below 0.00001.
gnomAD v4.1: 6 of 1,613,962 alleles (0.00037%); highest among the groups gnomAD compares: Non-Finnish European, 0.00051%; no homozygotes.

Submissions (2):

Fulgent Genetics
Classification: Uncertain significance for Congenital generalized lipodystrophy type 2; Hereditary spastic paraplegia 17; Severe neurodegenerative syndrome with lipodystrophy; Neuronopathy, distal hereditary motor, type 5C. Last evaluated: 2024-02-22. Review status: criteria provided, single submitter. Criteria: ACMG Guidelines, 2015. Collection method: clinical testing. Allele origin: germline.

Labcorp Genetics (formerly Invitae), Labcorp
Classification: Uncertain significance for Charcot-Marie-Tooth disease type 2. Last evaluated: 2022-10-25. Review status: criteria provided, single submitter. Criteria: Invitae Variant Classification Sherloc (09022015). Collection method: clinical testing. Allele origin: germline.
Comment: In summary, the available evidence is currently insufficient to determine the role of this variant in disease. Therefore, it has been classified as a Variant of Uncertain Significance. Advanced modeling of protein sequence and biophysical properties (such as structural, functional, and spatial information, amino acid conservation, physicochemical variation, residue mobility, and thermodynamic stability) performed at Invitae indicates that this missense variant is expected to disrupt BSCL2 protein function. This sequence change replaces tyrosine, which is neutral and polar, with cysteine, which is neutral and slightly polar, at codon 53 of the BSCL2 protein (p.Tyr53Cys). This variant is present in population databases (no rsID available, gnomAD 0.0009%). This variant has not been reported in the literature in individuals affected with BSCL2-related conditions.

NM_001122955.4(BSCL2):c.350A>G (p.Tyr117Cys)

Genes: BSCL2 (BSCL2 lipid droplet biogenesis associated, seipin; minus strand), HNRNPUL2-BSCL2 (HNRNPUL2-BSCL2 readthrough (NMD candidate); minus strand). Cytogenetic location: 11q12.3.
Variant type: single nucleotide variant.
Coding change: c.350A>G on transcript NM_001122955.4 (MANE Select); coding-DNA position 350, A replaced by G.
Protein change: p.Tyr117Cys; replaces tyrosine 117 with cysteine.
Molecular consequence: missense variant. On other transcripts: non-coding transcript variant (1).
Genome position (GRCh38, 1-based): chr11:62,705,355, T>C on the plus strand (A>G on the coding strand, the complement: BSCL2 is on the minus strand). VCF-style: chr11-62705355-T-C. GRCh37 (hg19) VCF-style: chr11-62472827-T-C.
Other names: c.158A>G, p.Tyr53Cys (NM_001130702.2, NM_032667.6); c.350A>G, p.Tyr117Cys (NM_001386027.1, NM_001386028.1); short protein forms Y117C, Y53C.
Identifiers: ClinVar variation 1970637 (VCV001970637.6), dbSNP rs1218475333, ClinGen allele CA380970435.